The following is an entry in ClinVar:

ClinVar aggregate classification (germline): Benign/Likely benign. Review status: criteria provided, multiple submitters, no conflicts (2 of 4 stars). 5 submissions from 5 submitters: Benign (2); Likely benign (2). 1 of the submissions does not count toward it. Last evaluated 2026-03-01.

Conditions:
Congenital myopathy. Identifiers: Orphanet 97245, MedGen C0270960, MONDO:0019952.
ADGRG1-related disorder. Also called: ADGRG1-related condition.

Allele frequency attached by ClinVar (database versions not stated): TOPMed 0.00002; ESP Exome Variant Server 0.00008; gnomAD 0.00018 and 0.00001; gnomAD exomes 0.00039 and 0.00073; 1000 Genomes Project 30x 0.00078; 1000 Genomes Project 0.00080; ExAC 0.00089.
gnomAD v4.1: 578 of 1,614,008 alleles (0.036%); highest among the groups gnomAD compares: South Asian, 0.61%; 15 homozygotes.

Submissions (5):

CeGaT Center for Human Genetics Tuebingen
Classification: Likely benign. Last evaluated: 2026-03-01. Review status: criteria provided, single submitter. Criteria: CeGaT Center For Human Genetics Tuebingen Variant Classification Criteria Version 2. Collection method: clinical testing. Allele origin: germline. Affected: yes. Observed: 1 variant allele.
Comment: ADGRG1: BP4, BP7, BS2

Labcorp Genetics (formerly Invitae), Labcorp
Classification: Benign. Last evaluated: 2026-01-25. Review status: criteria provided, single submitter. Criteria: Invitae Variant Classification Sherloc (09022015). Collection method: clinical testing. Allele origin: germline.

GeneDx
Classification: Likely benign. Last evaluated: 2019-12-13. Review status: criteria provided, single submitter. Criteria: GeneDx Variant Classification Process June 2021. Collection method: clinical testing. Allele origin: germline. Affected: yes.

Cambridge Genomics Laboratory, East Genomic Laboratory Hub, NHS Genomic Medicine Service
Classification: Benign for Congenital myopathy. Last evaluated: 2019-04-17. Review status: criteria provided, single submitter. Criteria: ACGS Best Practice Guidelines for Variant Classification in Rare Disease 2020. Collection method: clinical testing. Allele origin: germline. Affected: yes. Observed: 1 variant allele.

PreventionGenetics, part of Exact Sciences
Classification: Likely benign for ADGRG1-related condition. Last evaluated: 2019-02-21. Review status: no assertion criteria provided. Collection method: clinical testing. Allele origin: germline. Not counted in ClinVar's aggregate classification.
Comment: This variant is classified as likely benign based on ACMG/AMP sequence variant interpretation guidelines (Richards et al. 2015 PMID: 25741868, with internal and published modifications).

NM_201525.4(ADGRG1):c.66T>G (p.Gly22=)

Gene: ADGRG1 (adhesion G protein-coupled receptor G1; plus strand). Cytogenetic location: 16q21.
Variant type: single nucleotide variant.
Coding change: c.66T>G on transcript NM_201525.4 (MANE Select); coding-DNA position 66, T replaced by G.
Protein change: p.Gly22=; no amino-acid change (glycine 22 retained).
Molecular consequence: synonymous variant. On other transcripts: 5 prime UTR variant (1), intron variant (5).
Genome position (GRCh38, 1-based): chr16:57,651,201, T>G. VCF-style: chr16-57651201-T-G. GRCh37 (hg19) VCF-style: chr16-57685113-T-G.
Other names: c.66T>G, p.Gly22= (NM_001145770.3, NM_001145771.3, NM_001145772.3 and 17 more transcripts); c.81T>G, p.Gly27= (NM_001145773.3, NM_001370433.1); c.-460T>G (NM_001370453.1); c.-418-42T>G (NM_001370451.1, NM_001290143.2, NM_001290144.2); c.65-155T>G (NM_001370442.1); c.-414-46T>G (NM_001370454.1).
Identifiers: ClinVar variation 384470 (VCV000384470.21), dbSNP rs369887735, ClinGen allele CA8078282.